The following is an entry in ClinVar:

NM_004638.4(PRRC2A):c.3666G>A (p.Ala1222=)

Gene: PRRC2A (proline rich coiled-coil 2A; plus strand). Cytogenetic location: 6p21.33.
Variant type: single nucleotide variant.
Coding change: c.3666G>A on transcript NM_004638.4 (MANE Select); coding-DNA position 3666, G replaced by A.
Protein change: p.Ala1222=; no amino-acid change (alanine 1222 retained).
Molecular consequence: synonymous variant.
Genome position (GRCh38, 1-based): chr6:31,632,339, G>A. VCF-style: chr6-31632339-G-A. GRCh37 (hg19) VCF-style: chr6-31600116-G-A.
Other names: c.3666G>A, p.Ala1222= (NM_080686.3).
Identifiers: ClinVar variation 3045225 (VCV003045225.2), dbSNP rs757827180, ClinGen allele CA3715984.

ClinVar aggregate classification (germline): Likely benign (0 of 4 stars; one submission).

Conditions:
PRRC2A-related disorder. Also called: PRRC2A-related condition.

Allele frequency attached by ClinVar (database versions not stated): gnomAD 0.00007; TOPMed 0.00011.
gnomAD v4.1: 102 of 1,613,300 alleles (0.0063%); highest among the groups gnomAD compares: Middle Eastern, 0.016%; no homozygotes.

Submission:

PreventionGenetics, part of Exact Sciences
Classification: Likely benign for PRRC2A-related condition. Last evaluated: 2019-10-28. Review status: no assertion criteria provided. Collection method: clinical testing. Allele origin: germline.
Comment: This variant is classified as likely benign based on ACMG/AMP sequence variant interpretation guidelines (Richards et al. 2015 PMID: 25741868, with internal and published modifications).